The following is an entry in ClinVar:

NM_015338.6(ASXL1):c.3571A>T (p.Ile1191Phe)

Gene: ASXL1 (ASXL transcriptional regulator 1; plus strand). Cytogenetic location: 20q11.21.
Variant type: single nucleotide variant.
Coding change: c.3571A>T on transcript NM_015338.6 (MANE Select); coding-DNA position 3571, A replaced by T.
Protein change: p.Ile1191Phe; replaces isoleucine 1191 with phenylalanine.
Molecular consequence: missense variant.
Genome position (GRCh38, 1-based): chr20:32,436,283, A>T. VCF-style: chr20-32436283-A-T. GRCh37 (hg19) VCF-style: chr20-31024086-A-T.
Other names: c.3388A>T, p.Ile1130Phe (NM_001363734.1); short protein forms I1191F, I1130F.
Identifiers: ClinVar variation 4158716 (VCV004158716.1).

ClinVar aggregate classification (germline): Uncertain significance (1 of 4 stars; one submission).

Conditions:
Inborn genetic diseases. Identifiers: MedGen C0950123, MeSH D030342.

gnomAD v4.1: 4 of 1,614,224 alleles (0.00025%); highest among the groups gnomAD compares: South Asian, 0.0022%; no homozygotes.

Submission:

Ambry Genetics
Classification: Uncertain significance for Inborn genetic diseases. Last evaluated: 2025-08-08. Review status: criteria provided, single submitter. Criteria: Ambry Variant Classification Scheme 2023. Collection method: clinical testing. Allele origin: germline.
Comment: The p.I1191F variant (also known as c.3571A>T), located in coding exon 13 of the ASXL1 gene, results from an A to T substitution at nucleotide position 3571. The isoleucine at codon 1191 is replaced by phenylalanine, an amino acid with highly similar properties. This amino acid position is conserved. In addition, this alteration is predicted to be tolerated by in silico analysis. Based on the available evidence, the clinical significance of this variant remains unclear.